The following is an entry in ClinVar:

NM_000388.4(CASR):c.1232A>C (p.Tyr411Ser)

Gene: CASR (calcium sensing receptor; plus strand). Cytogenetic location: 3q21.1.
Variant type: single nucleotide variant.
Coding change: c.1232A>C on transcript NM_000388.4 (MANE Select); coding-DNA position 1232, A replaced by C.
Protein change: p.Tyr411Ser; replaces tyrosine 411 with serine.
Molecular consequence: missense variant.
Genome position (GRCh38, 1-based): chr3:122,262,267, A>C. VCF-style: chr3-122262267-A-C. GRCh37 (hg19) VCF-style: chr3-121981114-A-C.
Other names: c.1232A>C, p.Tyr411Ser (NM_001178065.2); short protein forms Y411S.
Identifiers: ClinVar variation 1755819 (VCV001755819.2), dbSNP rs2473228664, ClinGen allele CA354152876.
Genomic context (GRCh38, chr3:122,262,267, plus strand): 5'-TCCGACCCCTCTGTACAGGGGATGAGAACATCAGCAGTGTCGAGACCCCTTACATAGATT[A>C]CACGCATTTACGGATATCCTACAATGTGTACTTAGCAGTCTACTCCATTGCCCACGCCTT-3'
Protein context (NP_000379.3, residues 401-421): ISSVETPYID[Tyr411Ser]THLRISYNVY

ClinVar aggregate classification (germline): Uncertain significance (1 of 4 stars; one submission).

Conditions:
Nephrolithiasis/nephrocalcinosis. Identifiers: MedGen CN580796.

Submission:

Ambry Genetics
Classification: Uncertain significance for Nephrolithiasis/nephrocalcinosis. Last evaluated: 2021-10-13. Review status: criteria provided, single submitter. Criteria: Ambry Variant Classification Scheme 2023. Collection method: clinical testing. Allele origin: germline.
Comment: The p.Y411S variant (also known as c.1232A>C), located in coding exon 3 of the CASR gene, results from an A to C substitution at nucleotide position 1232. The tyrosine at codon 411 is replaced by serine, an amino acid with dissimilar properties. This amino acid position is conserved. In addition, the in silico prediction for this alteration is inconclusive. Since supporting evidence is limited at this time, the clinical significance of this alteration remains unclear.